The following is an entry in ClinVar:

ClinVar aggregate classification (germline): Uncertain significance (1 of 4 stars; one submission).

Conditions:
HYPERHOMOCYSTEINEMIA, THROMBOTIC, CBS-RELATED. Identifiers: MedGen C3150344, OMIM 236200.

Submission:

Labcorp Genetics (formerly Invitae), Labcorp
Classification: Uncertain significance for HYPERHOMOCYSTEINEMIA, THROMBOTIC, CBS-RELATED. Last evaluated: 2022-07-25. Review status: criteria provided, single submitter. Criteria: Invitae Variant Classification Sherloc (09022015). Collection method: clinical testing. Allele origin: germline.
Comment: This sequence change falls in intron 9 of the CBS gene. It does not directly change the encoded amino acid sequence of the CBS protein. It affects a nucleotide within the consensus splice site. This variant is not present in population databases (gnomAD no frequency). This variant has not been reported in the literature in individuals affected with CBS-related conditions. Variants that disrupt the consensus splice site are a relatively common cause of aberrant splicing (PMID: 17576681, 9536098). Algorithms developed to predict the effect of sequence changes on RNA splicing suggest that this variant may disrupt the consensus splice site. In summary, the available evidence is currently insufficient to determine the role of this variant in disease. Therefore, it has been classified as a Variant of Uncertain Significance.

Literature cited by the submitters: PubMed 17576681; PubMed 9536098.

NM_000071.3(CBS):c.829-2dup

Gene: CBS (cystathionine beta-synthase; minus strand). Cytogenetic location: 21q22.3.
Variant type: Duplication.
Coding change: c.829-2dup on transcript NM_000071.3 (MANE Select); the canonical splice acceptor site of the intron before coding-DNA position 829, one base duplicated (A; older notation c.829-2dupA).
Molecular consequence: splice acceptor variant.
Genome position (GRCh38, 1-based): chr21:43,063,080, T duplicated on the plus strand (A on the coding strand, the reverse complement: CBS is on the minus strand). VCF-style (leftmost placement, unchanged base first): chr21-43063079-C-CT. GRCh37 (hg19) VCF-style: chr21-44483189-C-CT.
Other names: c.829-2dup (NM_001320298.2, NM_001178009.3, NM_001178008.3); c.514-2dup (NM_001321072.1).
Identifiers: ClinVar variation 2002290 (VCV002002290.4), dbSNP rs2517429811, ClinGen allele CA2580099022.